The following is an entry in ClinVar:

NM_014889.4(PITRM1):c.2860G>A (p.Glu954Lys)

Gene: PITRM1 (pitrilysin metallopeptidase 1; minus strand). Cytogenetic location: 10p15.2.
Variant type: single nucleotide variant.
Coding change: c.2860G>A on transcript NM_014889.4 (MANE Select); coding-DNA position 2860, G replaced by A.
Protein change: p.Glu954Lys; replaces glutamic acid 954 with lysine.
Molecular consequence: missense variant. On other transcripts: non-coding transcript variant (4).
Genome position (GRCh38, 1-based): chr10:3,138,961, C>T on the plus strand (G>A on the coding strand, the complement: PITRM1 is on the minus strand). VCF-style: chr10-3138961-C-T. GRCh37 (hg19) VCF-style: chr10-3181153-C-T.
Other names: c.1555G>A, p.Glu519Lys (NM_001347728.2); c.2836G>A, p.Glu946Lys (NM_001347729.1); c.2638G>A, p.Glu880Lys (NM_001347730.1); c.2863G>A, p.Glu955Lys (NM_001242307.2); c.2566G>A, p.Glu856Lys (NM_001242309.1); c.2662G>A, p.Glu888Lys (NM_001347725.2); c.2047G>A, p.Glu683Lys (NM_001347726.2); c.2245G>A, p.Glu749Lys (NM_001347727.2); short protein forms E749K, E946K, E519K, E856K, E880K, E954K, E683K, E888K.
Identifiers: ClinVar variation 2202025 (VCV002202025.3), dbSNP rs375085624, ClinGen allele CA5387183.

ClinVar aggregate classification (germline): Uncertain significance (1 of 4 stars; one submission).

Allele frequency attached by ClinVar (database versions not stated): ExAC 0.00001; gnomAD 0.00003; gnomAD exomes 0.00003; TOPMed 0.00003; ESP Exome Variant Server 0.00008.
gnomAD v4.1: 55 of 1,613,744 alleles (0.0034%); highest among the groups gnomAD compares: African/African-American, 0.004%; 1 homozygote.

Submission:

Labcorp Genetics (formerly Invitae), Labcorp
Classification: Uncertain significance. Last evaluated: 2024-12-02. Review status: criteria provided, single submitter. Criteria: Invitae Variant Classification Sherloc (09022015). Collection method: clinical testing. Allele origin: germline.
Comment: This sequence change replaces glutamic acid, which is acidic and polar, with lysine, which is basic and polar, at codon 856 of the PITRM1 protein (p.Glu856Lys). This variant is present in population databases (rs375085624, gnomAD 0.006%). This variant has not been reported in the literature in individuals affected with PITRM1-related conditions. ClinVar contains an entry for this variant (Variation ID: 2202025). An algorithm developed to predict the effect of missense changes on protein structure and function (PolyPhen-2) suggests that this variant is likely to be disruptive. In summary, the available evidence is currently insufficient to determine the role of this variant in disease. Therefore, it has been classified as a Variant of Uncertain Significance.